The following is an entry in ClinVar:

ClinVar aggregate classification (germline): Uncertain significance (1 of 4 stars; one submission).

Conditions:
KBG syndrome (KBGS). Also called: ANKRD11-Related KBG Syndrome. Identifiers: Orphanet 2332, MedGen C0220687, MONDO:0007846, OMIM 148050.

Allele frequency attached by ClinVar (database versions not stated): TOPMed below 0.00001; gnomAD 0.00001; gnomAD exomes 0.00002.
gnomAD v4.1: 37 of 1,613,022 alleles (0.0023%); highest among the groups gnomAD compares: Non-Finnish European, 0.0031%; no homozygotes.

Submission:

Labcorp Genetics (formerly Invitae), Labcorp
Classification: Uncertain significance for KBG syndrome. Last evaluated: 2022-11-28. Review status: criteria provided, single submitter. Criteria: Invitae Variant Classification Sherloc (09022015). Collection method: clinical testing. Allele origin: germline.
Comment: Advanced modeling of protein sequence and biophysical properties (such as structural, functional, and spatial information, amino acid conservation, physicochemical variation, residue mobility, and thermodynamic stability) performed at Invitae indicates that this missense variant is not expected to disrupt ANKRD11 protein function. In summary, the available evidence is currently insufficient to determine the role of this variant in disease. Therefore, it has been classified as a Variant of Uncertain Significance. This variant has not been reported in the literature in individuals affected with ANKRD11-related conditions. This sequence change replaces isoleucine, which is neutral and non-polar, with valine, which is neutral and non-polar, at codon 2458 of the ANKRD11 protein (p.Ile2458Val). This variant is present in population databases (rs554982441, gnomAD 0.002%).

NM_013275.6(ANKRD11):c.7372A>G (p.Ile2458Val)

Gene: ANKRD11 (ankyrin repeat domain 11; minus strand). Cytogenetic location: 16q24.3.
Variant type: single nucleotide variant.
Coding change: c.7372A>G on transcript NM_013275.6 (MANE Select); coding-DNA position 7372, A replaced by G.
Protein change: p.Ile2458Val; replaces isoleucine 2458 with valine.
Molecular consequence: missense variant.
Genome position (GRCh38, 1-based): chr16:89,279,170, T>C on the plus strand (A>G on the coding strand, the complement: ANKRD11 is on the minus strand). VCF-style: chr16-89279170-T-C. GRCh37 (hg19) VCF-style: chr16-89345578-T-C.
Other names: c.7372A>G, p.Ile2458Val (NM_001256182.2, NM_001256183.2); short protein forms I2458V.
Identifiers: ClinVar variation 3011381 (VCV003011381.3), dbSNP rs554982441, ClinGen allele CA286509286.